The following is an entry in ClinVar:

ClinVar aggregate classification (germline): Likely benign (0 of 4 stars; one submission).

Conditions:
SLC34A3-related disorder. Also called: SLC34A3-related condition.

Allele frequency attached by ClinVar (database versions not stated): gnomAD exomes 0.00003; ExAC 0.00005; gnomAD 0.00009; TOPMed 0.00012; 1000 Genomes Project 30x 0.00016.
gnomAD v4.1: 54 of 1,551,992 alleles (0.0035%); highest among the groups gnomAD compares: African/African-American, 0.045%; no homozygotes.

Submission:

PreventionGenetics, part of Exact Sciences
Classification: Likely benign for SLC34A3-related condition. Last evaluated: 2021-04-07. Review status: no assertion criteria provided. Collection method: clinical testing. Allele origin: germline.
Comment: This variant is classified as likely benign based on ACMG/AMP sequence variant interpretation guidelines (Richards et al. 2015 PMID: 25741868, with internal and published modifications).

NM_001177316.2(SLC34A3):c.561-41G>A

Gene: SLC34A3 (solute carrier family 34 member 3; plus strand). Cytogenetic location: 9q34.3.
Variant type: single nucleotide variant.
Coding change: c.561-41G>A on transcript NM_001177316.2 (MANE Select); 41 bases into the intron before coding-DNA position 561, G replaced by A.
Molecular consequence: intron variant.
Genome position (GRCh38, 1-based): chr9:137,233,168, G>A. VCF-style: chr9-137233168-G-A. GRCh37 (hg19) VCF-style: chr9-140127620-G-A.
Other names: c.561-41G>A (NM_080877.3, NM_001177317.2).
Identifiers: ClinVar variation 3039441 (VCV003039441.2), dbSNP rs773155468, ClinGen allele CA5364478.
Genomic context (GRCh38, chr9:137,233,168, plus strand): 5'-TTTCAGAGGTGAGTTGTGGGTGGAAGGGCTGGGCTGGGGCTGCAGTGGCAGCCCCAGCCC[G>A]GGCCCCCCCACCTGACCCTGCCCACTCTCTGCGGCCACAGGGCTTTCAGCGGCTCGGCGG-3'